The following is an entry in ClinVar:

ClinVar aggregate classification (germline): Uncertain significance. Review status: criteria provided, multiple submitters, no conflicts (2 of 4 stars). 2 submissions from 2 submitters: Uncertain significance (2). Last evaluated 2025-01-24.

Conditions:
Inborn genetic diseases. Identifiers: MedGen C0950123, MeSH D030342.

Allele frequency attached by ClinVar (database versions not stated): TOPMed below 0.00001; gnomAD 0.00001; gnomAD exomes 0.00002.
gnomAD v4.1: 37 of 1,613,846 alleles (0.0023%); highest among the groups gnomAD compares: Admixed American, 0.0033%; no homozygotes.

Submissions (2):

Ambry Genetics
Classification: Uncertain significance for Inborn genetic diseases. Last evaluated: 2025-01-24. Review status: criteria provided, single submitter. Criteria: Ambry Variant Classification Scheme 2023. Collection method: clinical testing. Allele origin: germline.

Labcorp Genetics (formerly Invitae), Labcorp
Classification: Uncertain significance. Last evaluated: 2023-12-04. Review status: criteria provided, single submitter. Criteria: Invitae Variant Classification Sherloc (09022015). Collection method: clinical testing. Allele origin: germline.
Comment: This sequence change replaces glycine, which is neutral and non-polar, with arginine, which is basic and polar, at codon 285 of the COL10A1 protein (p.Gly285Arg). This variant is present in population databases (no rsID available, gnomAD 0.0009%). This variant has not been reported in the literature in individuals affected with COL10A1-related conditions. Advanced modeling of protein sequence and biophysical properties (such as structural, functional, and spatial information, amino acid conservation, physicochemical variation, residue mobility, and thermodynamic stability) performed at Invitae indicates that this missense variant is expected to disrupt COL10A1 protein function with a positive predictive value of 80%. In summary, the available evidence is currently insufficient to determine the role of this variant in disease. Therefore, it has been classified as a Variant of Uncertain Significance.

NM_000493.4(COL10A1):c.853G>C (p.Gly285Arg)

Genes: COL10A1 (collagen type X alpha 1 chain; minus strand), NT5DC1 (5'-nucleotidase domain containing 1; plus strand). Cytogenetic location: 6q22.1.
Variant type: single nucleotide variant.
Coding change: c.853G>C on transcript NM_000493.4 (MANE Select); coding-DNA position 853, G replaced by C.
Protein change: p.Gly285Arg; replaces glycine 285 with arginine.
Molecular consequence: missense variant. On other transcripts: intron variant (1).
Genome position (GRCh38, 1-based): chr6:116,121,263, C>G on the plus strand (G>C on the coding strand, the complement: COL10A1 is on the minus strand). VCF-style: chr6-116121263-C-G. GRCh37 (hg19) VCF-style: chr6-116442426-C-G.
Other names: c.853G>C (NM_000493.3); c.853G>C, p.Gly285Arg (NM_001424106.1, NM_001424107.1); c.529+3318C>G (NM_152729.3); short protein forms G285R.
Identifiers: ClinVar variation 2908407 (VCV002908407.4), dbSNP rs914825451, ClinGen allele CA145909561.
Genomic context (GRCh38, chr6:116,121,263, plus strand): 5'-CTGGCAAGCCTGGTTTCCCAAAGCCAGGAGGCCCTGGGGGCCCAGCTATTCCTGGAGCCC[C>G]AGGGAGACCTTTTGTTCCTGGAATCCCTGGCTGGCCTGGGGCTCCAGCAGCTCCTGGCTT-3'
Protein context (NP_000484.2, residues 275-295): PGIPGTKGLP[Gly285Arg]APGIAGPPGP